The following is an entry in ClinVar:

ClinVar aggregate classification (germline): Uncertain significance (1 of 4 stars; one submission).

Allele frequency attached by ClinVar (database versions not stated): ExAC 0.00001.

Submission:

Labcorp Genetics (formerly Invitae), Labcorp
Classification: Uncertain significance. Last evaluated: 2022-03-07. Review status: criteria provided, single submitter. Criteria: Invitae Variant Classification Sherloc (09022015). Collection method: clinical testing. Allele origin: germline.
Comment: In summary, the available evidence is currently insufficient to determine the role of this variant in disease. Therefore, it has been classified as a Variant of Uncertain Significance. Algorithms developed to predict the effect of missense changes on protein structure and function (SIFT, PolyPhen-2, Align-GVGD) all suggest that this variant is likely to be tolerated. This variant has not been reported in the literature in individuals affected with SMARCB1-related conditions. The frequency data for this variant in the population databases is considered unreliable, as metrics indicate poor data quality at this position in the gnomAD database. This sequence change replaces glycine, which is neutral and non-polar, with serine, which is neutral and polar, at codon 29 of the SMARCB1 protein (p.Gly29Ser).

NM_003073.5(SMARCB1):c.85G>A (p.Gly29Ser)

Gene: SMARCB1 (SWI/SNF related BAF chromatin remodeling complex subunit B1; plus strand). Cytogenetic location: 22q11.23.
Variant type: single nucleotide variant.
Coding change: c.85G>A on transcript NM_003073.5 (MANE Select); coding-DNA position 85, G replaced by A.
Protein change: p.Gly29Ser; replaces glycine 29 with serine.
Molecular consequence: missense variant.
Genome position (GRCh38, 1-based): chr22:23,787,254, G>A. VCF-style: chr22-23787254-G-A. GRCh37 (hg19) VCF-style: chr22-24129441-G-A.
Other names: c.85G>A, p.Gly29Ser (NM_001007468.3, NM_001317946.2, NM_001362877.2); short protein forms G29S.
Identifiers: ClinVar variation 1507853 (VCV001507853.6), dbSNP rs774011967, ClinGen allele CA10145824.
Genomic context (GRCh38, chr22:23,787,254, plus strand): 5'-ACCTTCGGGCAGAAGCCCGTGAAGTTCCAGCTGGAGGACGACGGCGAGTTCTACATGATC[G>A]GCTCCGAGGTAGCCCGGGGCGCGTTCTCGCCCTCCCCGGGCTCGGCCCCGCGGGAGCCCC-3'
Protein context (NP_003064.2, residues 19-39): LEDDGEFYMI[Gly29Ser]SEVGNYLRMF